The following is an entry in ClinVar:

NM_001005242.3(PKP2):c.2216C>A (p.Pro739Gln)

Gene: PKP2 (plakophilin 2; minus strand). Cytogenetic location: 12p11.21.
Variant type: single nucleotide variant.
Coding change: c.2216C>A on transcript NM_001005242.3 (MANE Select); coding-DNA position 2216, C replaced by A.
Protein change: p.Pro739Gln; replaces proline 739 with glutamine.
Molecular consequence: missense variant.
Genome position (GRCh38, 1-based): chr12:32,796,250, G>T on the plus strand (C>A on the coding strand, the complement: PKP2 is on the minus strand). VCF-style: chr12-32796250-G-T. GRCh37 (hg19) VCF-style: chr12-32949184-G-T.
Other names: c.2348C>A, p.Pro783Gln (NM_004572.4); short protein forms P739Q, P783Q.
Identifiers: ClinVar variation 928246 (VCV000928246.5), dbSNP rs758834771, ClinGen allele CA384357878.

ClinVar aggregate classification (germline): Uncertain significance (1 of 4 stars; one submission).

Conditions:
Cardiomyopathy (CMYO). Also called: Cardiomyopathies. Identifiers: Orphanet 167848, MedGen C0878544, MONDO:0004994, HP:0001638. Inheritance: Various modes of inheritance.

gnomAD v4.1: 1 of 1,613,700 alleles (0.000062%); highest among the groups gnomAD compares: South Asian, 0.0011%; no homozygotes.

Submission:

Color Diagnostics, LLC DBA Color Health
Classification: Uncertain significance for Cardiomyopathy. Last evaluated: 2023-12-04. Review status: criteria provided, single submitter. Criteria: ACMG Guidelines, 2015. Collection method: clinical testing. Allele origin: germline.
Comment: This missense variant replaces proline with glutamine at codon 783 of the PKP2 protein. Computational prediction tools and conservation analyses are inconclusive regarding the impact of this variant on the protein function. Computational splicing tools suggest that this variant may not impact RNA splicing. To our knowledge, functional assays have not been performed for this variant nor has this variant been reported in individuals affected with cardiovascular disorders in the literature. This variant has not been identified in the general population by the Genome Aggregation Database (gnomAD). Available evidence is insufficient to determine the role of this variant in disease conclusively. Therefore, this variant is classified as a Variant of Uncertain Significance.